The following is an entry in ClinVar:

NM_018063.5(HELLS):c.586A>G (p.Lys196Glu)

Gene: HELLS (helicase, lymphoid specific; plus strand). Cytogenetic location: 10q23.33.
Variant type: single nucleotide variant.
Coding change: c.586A>G on transcript NM_018063.5 (MANE Select); coding-DNA position 586, A replaced by G.
Protein change: p.Lys196Glu; replaces lysine 196 with glutamic acid.
Molecular consequence: missense variant. On other transcripts: 5 prime UTR variant (2).
Genome position (GRCh38, 1-based): chr10:94,574,068, A>G. VCF-style: chr10-94574068-A-G. GRCh37 (hg19) VCF-style: chr10-96333825-A-G.
Other names: c.586A>G, p.Lys196Glu (NM_001289067.2, NM_001289069.2, NM_001289070.2 and 1 more transcripts); c.538A>G, p.Lys180Glu (NM_001289068.2); c.214A>G, p.Lys72Glu (NM_001289071.2); c.172A>G, p.Lys58Glu (NM_001289073.2); c.-417A>G (NM_001289074.2); c.-436A>G (NM_001289075.2); short protein forms K196E, K58E, K180E, K72E.
Identifiers: ClinVar variation 2126644 (VCV002126644.4), dbSNP rs1844317395, ClinGen allele CA377659430.

ClinVar aggregate classification (germline): Uncertain significance (1 of 4 stars; one submission).

Allele frequency attached by ClinVar (database versions not stated): TOPMed below 0.00001.

Submission:

Labcorp Genetics (formerly Invitae), Labcorp
Classification: Uncertain significance. Last evaluated: 2024-12-09. Review status: criteria provided, single submitter. Criteria: Invitae Variant Classification Sherloc (09022015). Collection method: clinical testing. Allele origin: germline.
Comment: This sequence change replaces lysine, which is basic and polar, with glutamic acid, which is acidic and polar, at codon 196 of the HELLS protein (p.Lys196Glu). This variant is not present in population databases (gnomAD no frequency). This variant has not been reported in the literature in individuals affected with HELLS-related conditions. ClinVar contains an entry for this variant (Variation ID: 2126644). An algorithm developed to predict the effect of missense changes on protein structure and function (PolyPhen-2) suggests that this variant is likely to be tolerated. In summary, the available evidence is currently insufficient to determine the role of this variant in disease. Therefore, it has been classified as a Variant of Uncertain Significance.